The following is an entry in ClinVar:

ClinVar aggregate classification (germline): Uncertain significance (1 of 4 stars; one submission).

gnomAD v4.1: 3 of 1,610,592 alleles (0.00019%); highest among the groups gnomAD compares: South Asian, 0.0011%; no homozygotes.

Submission:

Ambry Genetics
Classification: Uncertain significance. Last evaluated: 2025-05-09. Review status: criteria provided, single submitter. Criteria: Ambry Variant Classification Scheme 2023. Collection method: clinical testing. Allele origin: germline.
Comment: The p.P165A variant (also known as c.493C>G), located in coding exon 1 of the WNK2 gene, results from a C to G substitution at nucleotide position 493. The proline at codon 165 is replaced by alanine, an amino acid with highly similar properties. This amino acid position is conserved. In addition, this alteration is predicted to be tolerated by in silico analysis. Based on the available evidence, the clinical significance of this variant remains unclear.

NM_006648.4(WNK2):c.493C>G (p.Pro165Ala)

Gene: WNK2 (WNK lysine deficient protein kinase 2; plus strand). Cytogenetic location: 9q22.31.
Variant type: single nucleotide variant.
Coding change: c.493C>G on transcript NM_006648.4 (MANE Select); coding-DNA position 493, C replaced by G.
Protein change: p.Pro165Ala; replaces proline 165 with alanine.
Molecular consequence: missense variant.
Genome position (GRCh38, 1-based): chr9:93,185,422, C>G. VCF-style: chr9-93185422-C-G. GRCh37 (hg19) VCF-style: chr9-95947704-C-G.
Other names: c.493C>G, p.Pro165Ala (NM_001282394.3); short protein forms P165A.
Identifiers: ClinVar variation 3982017 (VCV003982017.1).
Genomic context (GRCh38, chr9:93,185,422, plus strand): 5'-GAGGAGGCGGCGGCGACCGTGAGGAAGGAGGATGAGGGGGCGGCCGAGGCGAAGCCTGAG[C>G]CCGGGCGCACTCGCCGGGACGAGCCCGAAGAGGAGGAGGACGACGAGGACGACCTCAAGG-3'
Protein context (NP_006639.3, residues 155-175): DEGAAEAKPE[Pro165Ala]GRTRRDEPEE